The following is an entry in ClinVar:

ClinVar aggregate classification (germline): Uncertain significance. Review status: criteria provided, multiple submitters, no conflicts (2 of 4 stars). 2 submissions from 2 submitters: Uncertain significance (2). Last evaluated 2025-09-12.

Conditions:
Inborn genetic diseases. Identifiers: MedGen C0950123, MeSH D030342.
Wilms tumor 1 (WT1). Also called: Wilms tumor, somatic. Identifiers: Orphanet 654, MedGen CN033288, MONDO:0008679, OMIM 194070.
11p partial monosomy syndrome (WAGR). Also called: CHROMOSOME 11p13 DELETION SYNDROME; WAGR Spectrum Disorder; WAGR syndrome; WAGR Complex. Identifiers: Orphanet 893, MedGen C0206115, MONDO:0008681, OMIM 194072.
Frasier syndrome. Identifiers: Orphanet 347, MedGen C0950122, MeSH D052159, MONDO:0007635, OMIM 136680.
Drash syndrome (DDS). Also called: NEPHROPATHY, WILMS TUMOR, AND GENITAL ANOMALIES; WILMS TUMOR AND PSEUDO- OR TRUE HERMAPHRODITISM. Identifiers: Orphanet 220, MedGen C0950121, MONDO:0008682, OMIM 194080.

gnomAD v4.1: 1 of 1,614,234 alleles (0.000062%); no homozygotes.

Submissions (2):

Ambry Genetics
Classification: Uncertain significance for Inborn genetic diseases. Last evaluated: 2025-09-12. Review status: criteria provided, single submitter. Criteria: Ambry Variant Classification Scheme 2023. Collection method: clinical testing. Allele origin: germline.
Comment: The p.M505V variant (also known as c.1513A>G), located in coding exon 10 of the WT1 gene, results from an A to G substitution at nucleotide position 1513. The methionine at codon 505 is replaced by valine, an amino acid with highly similar properties. This amino acid position is conserved. In addition, the in silico prediction for this alteration is inconclusive. Based on the available evidence, the clinical significance of this variant remains unclear.

Labcorp Genetics (formerly Invitae), Labcorp
Classification: Uncertain significance for Wilms tumor 1; Drash syndrome; 11p partial monosomy syndrome; Frasier syndrome. Last evaluated: 2022-10-20. Review status: criteria provided, single submitter. Criteria: Invitae Variant Classification Sherloc (09022015). Collection method: clinical testing. Allele origin: germline.
Comment: In summary, the available evidence is currently insufficient to determine the role of this variant in disease. Therefore, it has been classified as a Variant of Uncertain Significance. Algorithms developed to predict the effect of missense changes on protein structure and function are either unavailable or do not agree on the potential impact of this missense change (SIFT: "Deleterious"; PolyPhen-2: "Probably Damaging"; Align-GVGD: "Class C15"). ClinVar contains an entry for this variant (Variation ID: 543128). This variant has not been reported in the literature in individuals affected with WT1-related conditions. This variant is not present in population databases (gnomAD no frequency). This sequence change replaces methionine, which is neutral and non-polar, with valine, which is neutral and non-polar, at codon 505 of the WT1 protein (p.Met505Val).

NM_024426.6(WT1):c.1528A>G (p.Met510Val)

Gene: WT1 (WT1 transcription factor; minus strand). Cytogenetic location: 11p13.
Variant type: single nucleotide variant.
Coding change: c.1528A>G on transcript NM_024426.6 (MANE Select); coding-DNA position 1528, A replaced by G.
Protein change: p.Met510Val; replaces methionine 510 with valine.
Molecular consequence: missense variant. On other transcripts: non-coding transcript variant (1).
Genome position (GRCh38, 1-based): chr11:32,389,099, T>C on the plus strand (A>G on the coding strand, the complement: WT1 is on the minus strand). VCF-style: chr11-32389099-T-C. GRCh37 (hg19) VCF-style: chr11-32410645-T-C.
Other names: c.1468A>G, p.Met490Val (NM_000378.6); c.868A>G, p.Met290Val (NM_001198551.2); c.826A>G, p.Met276Val (NM_001198552.2); c.340A>G, p.Met114Val (NM_001367854.1); c.1513A>G, p.Met505Val (NM_001407044.1); c.1477A>G, p.Met493Val (NM_001407045.1); c.1435A>G, p.Met479Val (NM_001407046.1); c.1396A>G, p.Met466Val (NM_001407047.1); and 6 more; short protein forms M510V, M290V, M276V, M114V, M507V, M490V, M452V, M462V.
Identifiers: ClinVar variation 543128 (VCV000543128.11), dbSNP rs1554938534, ClinGen allele CA379957543.